The following is an entry in ClinVar:

NM_001447.3(FAT2):c.1103G>A (p.Arg368Lys)

Gene: FAT2 (FAT atypical cadherin 2; minus strand). Cytogenetic location: 5q33.1.
Variant type: single nucleotide variant.
Coding change: c.1103G>A on transcript NM_001447.3 (MANE Select); coding-DNA position 1103, G replaced by A.
Protein change: p.Arg368Lys; replaces arginine 368 with lysine.
Molecular consequence: missense variant.
Genome position (GRCh38, 1-based): chr5:151,567,829, C>T on the plus strand (G>A on the coding strand, the complement: FAT2 is on the minus strand). VCF-style: chr5-151567829-C-T. GRCh37 (hg19) VCF-style: chr5-150947390-C-T.
Other names: c.1103G>A (NM_001447.2); short protein forms R368K.
Identifiers: ClinVar variation 2039105 (VCV002039105.30), dbSNP rs61743253, ClinGen allele CA3522317.

ClinVar aggregate classification (germline): Benign/Likely benign. Review status: criteria provided, multiple submitters, no conflicts (2 of 4 stars). 4 submissions from 4 submitters: Benign (2); Likely benign (1). 1 of the submissions does not count toward it. Last evaluated 2026-01-20.

Conditions:
FAT2-related disorder. Also called: FAT2-related condition.

Allele frequency attached by ClinVar (database versions not stated): 1000 Genomes Project 0.00040; 1000 Genomes Project 30x 0.00047; gnomAD exomes 0.00078; ESP Exome Variant Server 0.00092; gnomAD 0.00096; ExAC 0.00104; TOPMed 0.00118.
gnomAD v4.1: 1,379 of 1,614,146 alleles (0.085%); highest among the groups gnomAD compares: Middle Eastern, 1.4%; 7 homozygotes.

Submissions (4):

Labcorp Genetics (formerly Invitae), Labcorp
Classification: Benign. Last evaluated: 2026-01-20. Review status: criteria provided, single submitter. Criteria: Invitae Variant Classification Sherloc (09022015). Collection method: clinical testing. Allele origin: germline.

Blueprint Genetics
Classification: Likely benign. Last evaluated: 2024-11-22. Review status: criteria provided, single submitter. Criteria: ACMG Guidelines, 2015. Collection method: clinical testing. Allele origin: germline.

CeGaT Center for Human Genetics Tuebingen
Classification: Benign. Last evaluated: 2022-08-01. Review status: criteria provided, single submitter. Criteria: CeGaT Center For Human Genetics Tuebingen Variant Classification Criteria Version 2. Collection method: clinical testing. Allele origin: germline. Affected: yes. Observed: 2 variant alleles.
Comment: FAT2: BS1, BS2

PreventionGenetics, part of Exact Sciences
Classification: Benign for FAT2-related condition. Last evaluated: 2019-05-30. Review status: no assertion criteria provided. Collection method: clinical testing. Allele origin: germline. Not counted in ClinVar's aggregate classification.
Comment: This variant is classified as benign based on ACMG/AMP sequence variant interpretation guidelines (Richards et al. 2015 PMID: 25741868, with internal and published modifications).